The following is an entry in ClinVar:

NM_015175.3(NBEAL2):c.2700G>A (p.Glu900=)

Gene: NBEAL2 (neurobeachin like 2; plus strand). Cytogenetic location: 3p21.31.
Variant type: single nucleotide variant.
Coding change: c.2700G>A on transcript NM_015175.3 (MANE Select); coding-DNA position 2700, G replaced by A.
Protein change: p.Glu900=; no amino-acid change (glutamic acid 900 retained).
Molecular consequence: synonymous variant.
Genome position (GRCh38, 1-based): chr3:46,997,309, G>A. VCF-style: chr3-46997309-G-A. GRCh37 (hg19) VCF-style: chr3-47038799-G-A.
Other names: c.2598G>A, p.Glu866= (NM_001365116.2).
Identifiers: ClinVar variation 3031630 (VCV003031630.2), dbSNP rs1020245167, ClinGen allele CA73811467.

ClinVar aggregate classification (germline): Likely benign (0 of 4 stars; one submission).

Conditions:
NBEAL2-related disorder. Also called: NBEAL2-related condition.

Allele frequency attached by ClinVar (database versions not stated): gnomAD exomes 0.00001.
gnomAD v4.1: 14 of 1,613,026 alleles (0.00087%); highest among the groups gnomAD compares: South Asian, 0.011%; no homozygotes.

Submission:

PreventionGenetics, part of Exact Sciences
Classification: Likely benign for NBEAL2-related condition. Last evaluated: 2020-09-28. Review status: no assertion criteria provided. Collection method: clinical testing. Allele origin: germline.
Comment: This variant is classified as likely benign based on ACMG/AMP sequence variant interpretation guidelines (Richards et al. 2015 PMID: 25741868, with internal and published modifications).